The following is an entry in ClinVar:

NM_000051.4(ATM):c.3577-10G>C

Gene: ATM (ATM serine/threonine kinase; plus strand). Cytogenetic location: 11q22.3.
Variant type: single nucleotide variant.
Coding change: c.3577-10G>C on transcript NM_000051.4 (MANE Select); 10 bases into the intron before coding-DNA position 3577, G replaced by C.
Molecular consequence: intron variant.
Genome position (GRCh38, 1-based): chr11:108,282,700, G>C. VCF-style: chr11-108282700-G-C. GRCh37 (hg19) VCF-style: chr11-108153427-G-C.
Other names: c.3577-10G>C (NM_001351834.2).
Identifiers: ClinVar variation 2770731 (VCV002770731.4), dbSNP rs1343046904, ClinGen allele CA602132695.

ClinVar aggregate classification (germline): Likely benign. Review status: criteria provided, multiple submitters, no conflicts (2 of 4 stars). 2 submissions from 2 submitters: Likely benign (2). Last evaluated 2024-05-15.

Conditions:
Familial cancer of breast. Also called: BREAST CANCER, FAMILIAL; Hereditary breast cancer; hereditary breast carcinoma. Identifiers: Orphanet 227535, MedGen C0346153, MONDO:0016419, OMIM 114480. Disease mechanism: loss of function.
Ataxia-telangiectasia syndrome (AT). Also called: Ataxia-telangiectasia, complementation group D; LOUIS-BAR SYNDROME; ATAXIA-TELANGIECTASIA, COMPLEMENTATION GROUP A; ATAXIA-TELANGIECTASIA, FRESNO VARIANT; Ataxia telangiectasia (A-T); Cerebello-oculocutaneous telangiectasia. Identifiers: Orphanet 100, MedGen C0004135, MONDO:0008840, OMIM 208900.

gnomAD v4.1: 3 of 1,611,338 alleles (0.00019%); highest among the groups gnomAD compares: Non-Finnish European, 0.00025%; no homozygotes.

Submissions (2):

Myriad Genetics, Inc.
Classification: Likely benign for Familial cancer of breast. Last evaluated: 2024-05-15. Review status: criteria provided, single submitter. Criteria: Myriad Autosomal Dominant, Autosomal Recessive and X-Linked Classification Criteria (2023). Collection method: clinical testing. Allele origin: unknown.
Comment: This variant is considered likely benign. This variant is intronic and is not expected to impact mRNA splicing.

Labcorp Genetics (formerly Invitae), Labcorp
Classification: Likely benign for Ataxia-telangiectasia syndrome. Last evaluated: 2023-10-22. Review status: criteria provided, single submitter. Criteria: Invitae Variant Classification Sherloc (09022015). Collection method: clinical testing. Allele origin: germline.